The following is an entry in ClinVar:

NM_000552.5(VWF):c.8155T>C (p.Cys2719Arg)

Gene: VWF (von Willebrand factor; minus strand). Cytogenetic location: 12p13.31.
Variant type: single nucleotide variant.
Coding change: c.8155T>C on transcript NM_000552.5 (MANE Select); coding-DNA position 8155, T replaced by C.
Protein change: p.Cys2719Arg; replaces cysteine 2719 with arginine.
Molecular consequence: missense variant.
Genome position (GRCh38, 1-based): chr12:5,951,844, A>G on the plus strand (T>C on the coding strand, the complement: VWF is on the minus strand). VCF-style: chr12-5951844-A-G. GRCh37 (hg19) VCF-style: chr12-6061010-A-G.
Other names: c.8155T>C (NM_000552.4); short protein forms C2719R.
Identifiers: ClinVar variation 619759 (VCV000619759.3), dbSNP rs1565806592, ClinGen allele CA383487230.
Genomic context (GRCh38, chr12:5,951,844, plus strand): 5'-AAGAGCCCCTGGACTTGCTCTGATGGGTTTCAAGGGACAAGATATTAGTAACGCACTCAC[A>G]TGTGTCACAGCAGGTGCCTGGAATTTTCATAATTTTACCCTAAGAAAACAGCAAAATTTC-3'
Protein context (NP_000543.3, residues 2709-2729): MKIPGTCCDT[Cys2719Arg]EEPECNDITA

ClinVar aggregate classification (germline): Uncertain significance (1 of 4 stars; one submission).

Allele frequency attached by ClinVar (database versions not stated): TOPMed below 0.00001.

Submission:

Quest Diagnostics Nichols Institute San Juan Capistrano
Classification: Uncertain significance. Last evaluated: 2024-01-16. Review status: criteria provided, single submitter. Criteria: Quest Diagnostics criteria. Collection method: clinical testing. Allele origin: unknown.
Comment: The VWF c.8155T>C (p.Cys2719Arg) variant has not been reported in individuals with VWF-related conditions in the published literature. It also has not been reported in large, multi-ethnic general populations (Genome Aggregation Database). Analysis of this variant using bioinformatics tools for the prediction of the effect of amino acid changes on protein structure and function yielded predictions that this variant is damaging. Based on the available information, we are unable to determine the clinical significance of this variant.